The following is an entry in ClinVar:

ClinVar aggregate classification (germline): Uncertain significance. Review status: criteria provided, multiple submitters, no conflicts (2 of 4 stars). 5 submissions from 5 submitters: Uncertain significance (5). Last evaluated 2025-09-30.

Conditions:
Atypical hemolytic-uremic syndrome. Identifiers: Orphanet 2134, MedGen C2931788, MONDO:0016244.
Complement component 3 deficiency. Identifiers: Orphanet 280133, MedGen C3151071, MONDO:0013417, OMIM 613779.
C3 glomerulonephritis. Also called: C3 GLOMERULOPATHY 3; Nephropathy due to CFHR5 Deficiency. Identifiers: Orphanet 329931, MedGen C4055342, MONDO:0013892, OMIM 614809.
Age related macular degeneration 9. Identifiers: MedGen C1969651, MONDO:0012659, OMIM 611378.
Atypical hemolytic-uremic syndrome with C3 anomaly. Also called: AHUS, SUSCEPTIBILITY TO, 5. Identifiers: Orphanet 2134, MedGen C2752037, MONDO:0013043, OMIM 612925.

Allele frequency attached by ClinVar (database versions not stated): gnomAD exomes below 0.00001 and 0.00001; ExAC 0.00001; ESP Exome Variant Server 0.00008.
gnomAD v4.1: 18 of 1,613,998 alleles (0.0011%); highest among the groups gnomAD compares: South Asian, 0.0044%; no homozygotes.

Submissions (5):

Genomenon, Inc
Classification: Uncertain significance for Complement component 3 deficiency; C3 glomerulonephritis; Atypical hemolytic-uremic syndrome. Last evaluated: 2025-09-30. Review status: criteria provided, single submitter. Criteria: Genomenon Sequence Variant Interpretation Standards. Collection method: curation. Allele origin: germline. Affected: no.
Comment: C3 p.Gly468Arg (c.1402G>A) is a missense variant that changes the amino acid at residue 468 from Glycine to Arginine. This variant has been reported in the published literature (PMID:36622444). It is absent or not present at a significant frequency in gnomAD. In conclusion, we classify C3 p.Gly468Arg (c.1402G>A) as a variant of unknown significance.

Labcorp Genetics (formerly Invitae), Labcorp
Classification: Uncertain significance. Last evaluated: 2022-07-13. Review status: criteria provided, single submitter. Criteria: Invitae Variant Classification Sherloc (09022015). Collection method: clinical testing. Allele origin: germline.
Comment: This sequence change replaces glycine, which is neutral and non-polar, with arginine, which is basic and polar, at codon 468 of the C3 protein (p.Gly468Arg). This variant is present in population databases (rs148820222, gnomAD 0.007%). This variant has not been reported in the literature in individuals affected with C3-related conditions. ClinVar contains an entry for this variant (Variation ID: 1048763). Algorithms developed to predict the effect of missense changes on protein structure and function (SIFT, PolyPhen-2, Align-GVGD) all suggest that this variant is likely to be disruptive. In summary, the available evidence is currently insufficient to determine the role of this variant in disease. Therefore, it has been classified as a Variant of Uncertain Significance.

Fulgent Genetics
Classification: Uncertain significance for Age related macular degeneration 9; Atypical hemolytic-uremic syndrome with C3 anomaly; Complement component 3 deficiency. Last evaluated: 2022-04-27. Review status: criteria provided, single submitter. Criteria: ACMG Guidelines, 2015. Collection method: clinical testing. Allele origin: unknown.

Johns Hopkins Genomics, Johns Hopkins University
Classification: Uncertain significance for Atypical hemolytic-uremic syndrome with C3 anomaly. Last evaluated: 2021-03-30. Review status: criteria provided, single submitter. Criteria: ACMG Guidelines, 2015. Collection method: clinical testing. Allele origin: germline.
Comment: C3 c.1402G>A (rs148820222) is rare (<0.1%) in a large population dataset (gnomAD: 2/282848 total alleles; 0.0007%; no homozygotes) and has not been reported in ClinVar nor the literature, to our knowledge. Three bioinformatic tools queried predict that this substitution would be damaging and the glycine residue at this position is evolutionarily conserved across most species assessed. We consider the clinical significance of C3 c.1402G>A to be uncertain at this time.

Dubai Health Genomic Medicine Center, Dubai Health
Classification: Uncertain significance for Atypical hemolytic-uremic syndrome with C3 anomaly. Last evaluated: 2020-04-28. Review status: criteria provided, single submitter. Criteria: ACMG Guidelines, 2015. Collection method: clinical testing. Allele origin: germline. Affected: yes.
Comment: The p.Gly468Arg missense variant in C3 has not been previously reported in affected individuals but was identified in 1/24950 African alleles in the Genome Aggregation Database (gnomAD). Computational prediction tools and conservation analysis suggest an impact to protein function though this information is not predictive enough to confirm pathogenicity. . In summary more information is needed to determine the clinical significance of this variant.

Literature cited by the submitters: PubMed 36622444 (cited by Genomenon, Inc).

NM_000064.4(C3):c.1402G>A (p.Gly468Arg)

Gene: C3 (complement C3; minus strand). Cytogenetic location: 19p13.3.
Variant type: single nucleotide variant.
Coding change: c.1402G>A on transcript NM_000064.4 (MANE Select); coding-DNA position 1402, G replaced by A.
Protein change: p.Gly468Arg; replaces glycine 468 with arginine.
Molecular consequence: missense variant.
Genome position (GRCh38, 1-based): chr19:6,711,064, C>T on the plus strand (G>A on the coding strand, the complement: C3 is on the minus strand). VCF-style: chr19-6711064-C-T. GRCh37 (hg19) VCF-style: chr19-6711075-C-T.
Other names: short protein forms G468R.
Identifiers: ClinVar variation 1048763 (VCV001048763.11), dbSNP rs148820222, ClinGen allele CA9129467.
Genomic context (GRCh38, chr19:6,711,064, plus strand): 5'-GGATCTTGGCCTCGTGGGCGCGGTCCATTCGCAGGAGGAAGTTGACGTTGAGGGTCTCCC[C>T]GGGTCTGAGCTCTGTACGTAGCACTGAGAGATGCAGGTAATTGTTGGAGTTGCCCACGGT-3'
Protein context (NP_000055.2, residues 458-478): LSVLRTELRP[Gly468Arg]ETLNVNFLLR